The following is an entry in ClinVar:

NM_000426.4(LAMA2):c.5284del (p.Arg1762fs)

Gene: LAMA2 (laminin subunit alpha 2; plus strand). Cytogenetic location: 6q22.33.
Variant type: Deletion.
Coding change: c.5284del on transcript NM_000426.4 (MANE Select); coding-DNA position 5284, one base deleted (C; older notation c.5284delC).
Protein change: p.Arg1762fs; shifts the reading frame from arginine 1762.
Molecular consequence: frameshift variant.
Genome position (GRCh38, 1-based): chr6:129,393,094, C deleted; the last of 3 consecutive C bases (chr6:129,393,092-129,393,094); deleting any one gives the same sequence. VCF-style (leftmost placement, unchanged base first): chr6-129393091-TC-T. GRCh37 (hg19) VCF-style: chr6-129714236-TC-T.
Other names: c.5284del, p.Arg1762fs (NM_001079823.2); short protein forms R1762fs.
Identifiers: ClinVar variation 2101652 (VCV002101652.4), dbSNP rs2482736672, ClinGen allele CA2580074957.

ClinVar aggregate classification (germline): Pathogenic (1 of 4 stars; one submission).

Conditions:
LAMA2-related muscular dystrophy (LAMA2-RD). Also called: Laminin alpha 2-related dystrophy. Identifiers: MedGen C5679788, MONDO:0100228.

Submission:

Labcorp Genetics (formerly Invitae), Labcorp
Classification: Pathogenic for LAMA2-related muscular dystrophy. Last evaluated: 2023-08-17. Review status: criteria provided, single submitter. Criteria: Invitae Variant Classification Sherloc (09022015). Collection method: clinical testing. Allele origin: germline.
Comment: For these reasons, this variant has been classified as Pathogenic. ClinVar contains an entry for this variant (Variation ID: 2101652). This variant has not been reported in the literature in individuals affected with LAMA2-related conditions. This variant is not present in population databases (gnomAD no frequency). This sequence change creates a premature translational stop signal (p.Arg1762Glyfs*29) in the LAMA2 gene. It is expected to result in an absent or disrupted protein product. Loss-of-function variants in LAMA2 are known to be pathogenic (PMID: 18700894, 32904964).

Literature cited by the submitters: PubMed 18700894; PubMed 32904964.